The following is an entry in ClinVar:

ClinVar aggregate classification (germline): Uncertain significance (1 of 4 stars; one submission).

Conditions:
X-linked lymphoproliferative disease due to XIAP deficiency. Also called: XIAP DEFICIENCY; XIAP-Related Lymphoproliferative Disease, X-Linked. Identifiers: Orphanet 2442, Orphanet 538934, MedGen C1845076, MONDO:0010385, OMIM 300635.

Allele frequency attached by ClinVar (database versions not stated): TOPMed below 0.00001; ExAC 0.00001; gnomAD 0.00001; gnomAD exomes 0.00001; ESP Exome Variant Server 0.00009.
gnomAD v4.1: 1 of 1,198,488 alleles (0.000083%); highest among the groups gnomAD compares: African/African-American, 0.0018%; no homozygotes.

Submission:

Labcorp Genetics (formerly Invitae), Labcorp
Classification: Uncertain significance for X-linked lymphoproliferative disease due to XIAP deficiency. Last evaluated: 2019-01-20. Review status: criteria provided, single submitter. Criteria: Invitae Variant Classification Sherloc (09022015). Collection method: clinical testing. Allele origin: germline.
Comment: In summary, the available evidence is currently insufficient to determine the role of this variant in disease. Therefore, it has been classified as a Variant of Uncertain Significance. Algorithms developed to predict the effect of missense changes on protein structure and function output the following: SIFT: "Tolerated "; PolyPhen-2: "Benign"; Align-GVGD: "Class C0". The alanine amino acid residue is found in multiple mammalian species, suggesting that this missense change does not adversely affect protein function. These predictions have not been confirmed by published functional studies and their clinical significance is uncertain. This variant has not been reported in the literature in individuals with XIAP-related conditions. This variant is present in population databases (rs148080493, ExAC 0.01%). This sequence change replaces valine with alanine at codon 353 of the XIAP protein (p.Val353Ala). The valine residue is weakly conserved and there is a small physicochemical difference between valine and alanine.

NM_001167.4(XIAP):c.1058T>C (p.Val353Ala)

Gene: XIAP (X-linked inhibitor of apoptosis; plus strand). Cytogenetic location: Xq25.
Variant type: single nucleotide variant.
Coding change: c.1058T>C on transcript NM_001167.4 (MANE Select); coding-DNA position 1058, T replaced by C.
Protein change: p.Val353Ala; replaces valine 353 with alanine.
Molecular consequence: missense variant. On other transcripts: non-coding transcript variant (2).
Genome position (GRCh38, 1-based): chrX:123,892,732, T>C. VCF-style: chrX-123892732-T-C. GRCh37 (hg19) VCF-style: chrX-123026582-T-C.
Other names: c.1058T>C, p.Val353Ala (NM_001204401.2, NM_001378590.1, NM_001378591.1 and 1 more transcripts); short protein forms V353A.
Identifiers: ClinVar variation 839413 (VCV000839413.8), dbSNP rs148080493, ClinGen allele CA10508117.
Genomic context (GRCh38, chrX:123,892,732, plus strand): 5'-TGGAAATGATTGCCTCTACCAAAAATAATTCTAACTTACAGTTCCTATTTCTGTTACAGG[T>C]AAGAACTACTGAGAAAACACCATCACTAACTAGAAGAATTGGTAAATATGCTTGTTAACT-3'
Protein context (NP_001158.2, residues 343-363): HLTHSLEECL[Val353Ala]RTTEKTPSLT